The following is an entry in ClinVar:

ClinVar aggregate classification (germline): Uncertain significance (1 of 4 stars; one submission).

Allele frequency attached by ClinVar (database versions not stated): TOPMed below 0.00001; ExAC 0.00001.

Submission:

Labcorp Genetics (formerly Invitae), Labcorp
Classification: Uncertain significance. Last evaluated: 2023-03-01. Review status: criteria provided, single submitter. Criteria: Invitae Variant Classification Sherloc (09022015). Collection method: clinical testing. Allele origin: germline.
Comment: This sequence change replaces glutamic acid, which is acidic and polar, with glycine, which is neutral and non-polar, at codon 479 of the CFI protein (p.Glu479Gly). This variant is present in population databases (rs200936562, gnomAD 0.0009%). This variant has not been reported in the literature in individuals affected with CFI-related conditions. In summary, the available evidence is currently insufficient to determine the role of this variant in disease. Therefore, it has been classified as a Variant of Uncertain Significance. Advanced modeling of protein sequence and biophysical properties (such as structural, functional, and spatial information, amino acid conservation, physicochemical variation, residue mobility, and thermodynamic stability) performed at Invitae indicates that this missense variant is not expected to disrupt CFI protein function.

NM_000204.5(CFI):c.1436A>G (p.Glu479Gly)

Gene: CFI (complement factor I; minus strand). Cytogenetic location: 4q25.
Variant type: single nucleotide variant.
Coding change: c.1436A>G on transcript NM_000204.5 (MANE Select); coding-DNA position 1436, A replaced by G.
Protein change: p.Glu479Gly; replaces glutamic acid 479 with glycine.
Molecular consequence: missense variant. On other transcripts: non-coding transcript variant (3).
Genome position (GRCh38, 1-based): chr4:109,742,589, T>C on the plus strand (A>G on the coding strand, the complement: CFI is on the minus strand). VCF-style: chr4-109742589-T-C. GRCh37 (hg19) VCF-style: chr4-110663745-T-C.
Other names: c.1460A>G, p.Glu487Gly (NM_001318057.2, NM_001375278.1); c.1415A>G, p.Glu472Gly (NM_001331035.2, NM_001375280.1, NM_001375282.1); c.1436A>G, p.Glu479Gly (NM_001375279.1, NM_001375281.1); c.1379A>G, p.Glu460Gly (NM_001375283.1); c.827A>G, p.Glu276Gly (NM_001375284.1); short protein forms E479G, E276G, E460G, E487G, E472G.
Identifiers: ClinVar variation 2959888 (VCV002959888.3), dbSNP rs200936562, ClinGen allele CA3041896.